The following is an entry in ClinVar:

NM_152281.3(GORAB):c.941C>T (p.Ala314Val)

Gene: GORAB (golgin, RAB6 interacting; plus strand). Cytogenetic location: 1q24.2.
Variant type: single nucleotide variant.
Coding change: c.941C>T on transcript NM_152281.3 (MANE Select); coding-DNA position 941, C replaced by T.
Protein change: p.Ala314Val; replaces alanine 314 with valine.
Molecular consequence: missense variant. On other transcripts: non-coding transcript variant (1).
Genome position (GRCh38, 1-based): chr1:170,552,293, C>T. VCF-style: chr1-170552293-C-T. GRCh37 (hg19) VCF-style: chr1-170521434-C-T.
Other names: c.476C>T, p.Ala159Val (NM_001320252.2); short protein forms A339V, A159V, A314V.
Identifiers: ClinVar variation 293662 (VCV000293662.9), dbSNP rs187680628, ClinGen allele CA1239275.
Genomic context (GRCh38, chr1:170,552,293, plus strand): 5'-ACGAACAAGAAGTAGAATCAAGGAGACCAGTGGTTCGTTTAGAGAGGCCATTTCAGCCTG[C>T]GGAGGAGAGTGTGACATTAGAATTTGCTAAAGAGAACAGAAAGTGTCAAGAACAAGCTGT-3'
Protein context (NP_689494.3, residues 304-324): VVRLERPFQP[Ala314Val]EESVTLEFAK

ClinVar aggregate classification (germline): Uncertain significance. Review status: criteria provided, multiple submitters, no conflicts (2 of 4 stars). 4 submissions from 4 submitters: Uncertain significance (4). Last evaluated 2023-04-11.

Conditions:
Geroderma osteodysplastica (GO). Also called: WALT DISNEY DWARFISM; Geroderma osteodysplasticum. Identifiers: Orphanet 2078, MedGen C0432255, MONDO:0009271, OMIM 231070.

Allele frequency attached by ClinVar (database versions not stated): gnomAD 0.00021 and 0.00025; TOPMed 0.00022; ExAC 0.00028; gnomAD exomes 0.00028; 1000 Genomes Project 0.00120; 1000 Genomes Project 30x 0.00125.
gnomAD v4.1: 179 of 1,614,014 alleles (0.011%); highest among the groups gnomAD compares: Admixed American, 0.11%; no homozygotes.

Submissions (4):

Genome-Nilou Lab
Classification: Uncertain significance for Geroderma osteodysplastica. Last evaluated: 2023-04-11. Review status: criteria provided, single submitter. Criteria: ACMG Guidelines, 2015. Collection method: clinical testing. Allele origin: germline. Affected: no.

Labcorp Genetics (formerly Invitae), Labcorp
Classification: Uncertain significance. Last evaluated: 2022-08-19. Review status: criteria provided, single submitter. Criteria: Invitae Variant Classification Sherloc (09022015). Collection method: clinical testing. Allele origin: germline.
Comment: This sequence change replaces alanine, which is neutral and non-polar, with valine, which is neutral and non-polar, at codon 339 of the GORAB protein (p.Ala339Val). This variant is present in population databases (rs187680628, gnomAD 0.08%). This variant has not been reported in the literature in individuals affected with GORAB-related conditions. ClinVar contains an entry for this variant (Variation ID: 293662). Algorithms developed to predict the effect of missense changes on protein structure and function (SIFT, PolyPhen-2, Align-GVGD) all suggest that this variant is likely to be tolerated. In summary, the available evidence is currently insufficient to determine the role of this variant in disease. Therefore, it has been classified as a Variant of Uncertain Significance.

Illumina Laboratory Services, Illumina
Classification: Uncertain significance for Geroderma osteodysplastica. Last evaluated: 2018-01-12. Review status: criteria provided, single submitter. Criteria: ICSL Variant Classification Criteria 13 December 2019. Collection method: clinical testing. Allele origin: germline.

Breakthrough Genomics
Classification: Uncertain significance. Review status: criteria provided, single submitter. Criteria: ACMG Guidelines, 2015. Collection method: not provided. Allele origin: germline. Inheritance: Autosomal recessive inheritance. Affected: yes.